The following is an entry in ClinVar:

NM_001101.5(ACTB):c.642G>A (p.Glu214=)

Gene: ACTB (actin beta; minus strand). Cytogenetic location: 7p22.1.
Variant type: single nucleotide variant.
Coding change: c.642G>A on transcript NM_001101.5 (MANE Select); coding-DNA position 642, G replaced by A.
Protein change: p.Glu214=; no amino-acid change (glutamic acid 214 retained).
Molecular consequence: synonymous variant.
Genome position (GRCh38, 1-based): chr7:5,528,441, C>T on the plus strand (G>A on the coding strand, the complement: ACTB is on the minus strand). VCF-style: chr7-5528441-C-T. GRCh37 (hg19) VCF-style: chr7-5568072-C-T.
Identifiers: ClinVar variation 1269505 (VCV001269505.16), dbSNP rs769411154, ClinGen allele CA4146978.

ClinVar aggregate classification (germline): Benign/Likely benign. Review status: criteria provided, multiple submitters, no conflicts (2 of 4 stars). 7 submissions from 6 submitters: Benign (4); Likely benign (2). 1 of the submissions does not count toward it. Last evaluated 2024-11-26.

Conditions:
ACTB-related disorder. Also called: ACTB-related condition; ACTB-related disorders.
Baraitser-Winter syndrome 1 (BRWS1). Also called: PACHYGYRIA, MENTAL RETARDATION, EPILEPSY, AND CHARACTERISTIC FACIES; MENTAL RETARDATION WITH EPILEPSY AND CHARACTERISTIC FACIES; Cerebrofrontofacial syndrome; BARAITSER-WINTER SYNDROME 1, ATYPICAL. Identifiers: Orphanet 2649, Orphanet 2995, MedGen C1855722, MONDO:0009470, OMIM 243310.
Developmental malformations-deafness-dystonia syndrome (DDS1). Identifiers: Orphanet 79107, MedGen C5848323, MONDO:0011823, OMIM 607371.

Allele frequency attached by ClinVar (database versions not stated): gnomAD 0.00001 and 0.00003; TOPMed 0.00002; gnomAD exomes 0.00009 and 0.00014; ExAC 0.00017.
gnomAD v4.1: 131 of 1,614,016 alleles (0.0081%); highest among the groups gnomAD compares: South Asian, 0.14%; 1 homozygote.

Submissions (7):

Blueprint Genetics
Classification: Likely benign. Last evaluated: 2024-11-26. Review status: criteria provided, single submitter. Criteria: ACMG Guidelines, 2015. Collection method: clinical testing. Allele origin: germline.

Labcorp Genetics (formerly Invitae), Labcorp
Classification: Benign for Baraitser-Winter syndrome 1. Last evaluated: 2024-05-06. Review status: criteria provided, single submitter. Criteria: Invitae Variant Classification Sherloc (09022015). Collection method: clinical testing. Allele origin: germline.

Genome-Nilou Lab
Classification: Benign for Baraitser-Winter syndrome 1. Last evaluated: 2021-12-05. Review status: criteria provided, single submitter. Criteria: ACMG Guidelines, 2015. Collection method: clinical testing. Allele origin: germline. Affected: no.

Genome-Nilou Lab
Classification: Benign for Developmental malformations-deafness-dystonia syndrome. Last evaluated: 2021-12-05. Review status: criteria provided, single submitter. Criteria: ACMG Guidelines, 2015. Collection method: clinical testing. Allele origin: germline. Affected: no.

Fulgent Genetics
Classification: Likely benign for Baraitser-Winter syndrome 1; Developmental malformations-deafness-dystonia syndrome. Last evaluated: 2021-09-07. Review status: criteria provided, single submitter. Criteria: ACMG Guidelines, 2015. Collection method: clinical testing. Allele origin: unknown.

GeneDx
Classification: Benign. Last evaluated: 2021-02-01. Review status: criteria provided, single submitter. Criteria: GeneDx Variant Classification Process June 2021. Collection method: clinical testing. Allele origin: germline. Affected: yes.

PreventionGenetics, part of Exact Sciences
Classification: Likely benign for ACTB-related condition. Last evaluated: 2024-09-16. Review status: no assertion criteria provided. Collection method: clinical testing. Allele origin: germline. Not counted in ClinVar's aggregate classification.
Comment: This variant is classified as likely benign based on ACMG/AMP sequence variant interpretation guidelines (Richards et al. 2015 PMID: 25741868, with internal and published modifications).